The following is an entry in ClinVar:

ClinVar aggregate classification (germline): Benign (0 of 4 stars; one submission).

Conditions:
UNC5C-related disorder. Also called: UNC5C-related condition.

Allele frequency attached by ClinVar (database versions not stated): 1000 Genomes Project 30x 0.48907; 1000 Genomes Project 0.49461; ESP Exome Variant Server 0.52722; TOPMed 0.53841; gnomAD 0.54967; ExAC 0.64088; gnomAD exomes 0.67958.
gnomAD v4.1: 1,073,783 of 1,611,410 alleles (67%); highest among the groups gnomAD compares: Admixed American, 79%; 369,611 homozygotes.

Submission:

PreventionGenetics, part of Exact Sciences
Classification: Benign for UNC5C-related condition. Last evaluated: 2019-10-17. Review status: no assertion criteria provided. Collection method: clinical testing. Allele origin: germline.
Comment: This variant is classified as benign based on ACMG/AMP sequence variant interpretation guidelines (Richards et al. 2015 PMID: 25741868, with internal and published modifications).

NM_003728.4(UNC5C):c.2162T>C (p.Met721Thr)

Gene: UNC5C (unc-5 netrin receptor C; minus strand). Cytogenetic location: 4q22.3.
Variant type: single nucleotide variant.
Coding change: c.2162T>C on transcript NM_003728.4 (MANE Select); coding-DNA position 2162, T replaced by C.
Protein change: p.Met721Thr; replaces methionine 721 with threonine.
Molecular consequence: missense variant.
Genome position (GRCh38, 1-based): chr4:95,185,171, A>G on the plus strand (T>C on the coding strand, the complement: UNC5C is on the minus strand). VCF-style: chr4-95185171-A-G. GRCh37 (hg19) VCF-style: chr4-96106322-A-G.
Other names: short protein forms M721T.
Identifiers: ClinVar variation 3060184 (VCV003060184.2), dbSNP rs2289043, ClinGen allele CA3015476.